The following is an entry in ClinVar:

NM_001103.4(ACTN2):c.448+195G>T

Gene: ACTN2 (actinin alpha 2; plus strand). Cytogenetic location: 1q43.
Variant type: single nucleotide variant.
Coding change: c.448+195G>T on transcript NM_001103.4 (MANE Select); 195 bases into the intron after coding-DNA position 448, G replaced by T.
Molecular consequence: intron variant.
Genome position (GRCh38, 1-based): chr1:236,720,386, G>T. VCF-style: chr1-236720386-G-T. GRCh37 (hg19) VCF-style: chr1-236883686-G-T.
Other names: c.-374+195G>T (NM_001278344.2); c.448+195G>T (NM_001278343.2).
Identifiers: ClinVar variation 672001 (VCV000672001.1), dbSNP rs1341861, ClinGen allele CA16083357.

ClinVar aggregate classification (germline): Benign (1 of 4 stars; one submission).

Allele frequency attached by ClinVar (database versions not stated): TOPMed 0.87861; gnomAD 0.89015 and 0.89500; 1000 Genomes Project 30x 0.86493; 1000 Genomes Project 0.87460.
gnomAD v4.1: 136,365 of 152,234 alleles (90%); highest among the groups gnomAD compares: Non-Finnish European, 99%; 62,369 homozygotes.

Submission:

GeneDx
Classification: Benign. Last evaluated: 2018-06-14. Review status: criteria provided, single submitter. Criteria: GeneDx Variant Classification (06012015). Collection method: clinical testing. Allele origin: germline. Affected: yes.
Comment: This variant is considered likely benign or benign based on one or more of the following criteria: it is a conservative change, it occurs at a poorly conserved position in the protein, it is predicted to be benign by multiple in silico algorithms, and/or has population frequency not consistent with disease.